The following is an entry in ClinVar:

ClinVar aggregate classification (germline): Pathogenic (1 of 4 stars; one submission).

Conditions:
Cataract 14 multiple types. Also called: CATARACT 14, ZONULAR PULVERULENT; CATARACT 14, NUCLEAR PULVERULENT; CATARACT 14, NUCLEAR PULVERULENT AND POSTERIOR POLAR; CATARACT 14, NUCLEAR CORALLIFORM; CATARACT 14, EMBRYONAL NUCLEAR; CATARACT 14, COPPOCK-LIKE. Identifiers: Orphanet 91492, MedGen C1866078, MONDO:0011162, OMIM 601885.

Submission:

Labcorp Genetics (formerly Invitae), Labcorp
Classification: Pathogenic for Cataract 14 multiple types. Last evaluated: 2022-10-17. Review status: criteria provided, single submitter. Criteria: Invitae Variant Classification Sherloc (09022015). Collection method: clinical testing. Allele origin: germline.
Comment: This missense change has been observed in individual(s) with congenital cataract (Invitae). In at least one individual the variant was observed to be de novo. This variant is not present in population databases (gnomAD no frequency). This sequence change replaces phenylalanine, which is neutral and non-polar, with leucine, which is neutral and non-polar, at codon 203 of the GJA3 protein (p.Phe203Leu). For these reasons, this variant has been classified as Pathogenic. Advanced modeling of protein sequence and biophysical properties (such as structural, functional, and spatial information, amino acid conservation, physicochemical variation, residue mobility, and thermodynamic stability) performed at Invitae indicates that this missense variant is expected to disrupt GJA3 protein function.

NM_021954.4(GJA3):c.609C>A (p.Phe203Leu)

Gene: GJA3 (gap junction protein alpha 3; minus strand). Cytogenetic location: 13q12.11.
Variant type: single nucleotide variant.
Coding change: c.609C>A on transcript NM_021954.4 (MANE Select); coding-DNA position 609, C replaced by A.
Protein change: p.Phe203Leu; replaces phenylalanine 203 with leucine.
Molecular consequence: missense variant.
Genome position (GRCh38, 1-based): chr13:20,142,680, G>T on the plus strand (C>A on the coding strand, the complement: GJA3 is on the minus strand). VCF-style: chr13-20142680-G-T. GRCh37 (hg19) VCF-style: chr13-20716819-G-T.
Other names: short protein forms F203L.
Identifiers: ClinVar variation 2028307 (VCV002028307.4), dbSNP rs2500171362, ClinGen allele CA387464457.